The following is an entry in ClinVar:

NM_024735.5(FBXO31):c.1397+10C>T

Gene: FBXO31 (F-box protein 31; minus strand). Cytogenetic location: 16q24.2.
Variant type: single nucleotide variant.
Coding change: c.1397+10C>T on transcript NM_024735.5 (MANE Select); 10 bases into the intron after coding-DNA position 1397, C replaced by T.
Molecular consequence: intron variant.
Genome position (GRCh38, 1-based): chr16:87,333,876, G>A on the plus strand (C>T on the coding strand, the complement: FBXO31 is on the minus strand). VCF-style: chr16-87333876-G-A. GRCh37 (hg19) VCF-style: chr16-87367482-G-A.
Other names: c.881+10C>T (NM_001282683.2).
Identifiers: ClinVar variation 708552 (VCV000708552.7), dbSNP rs75105531, ClinGen allele CA8218922.
Genomic context (GRCh38, chr16:87,333,876, plus strand): 5'-GTGGGGCTGGGGCCCTCGCTGAAGCCCATGCTGTCCCACCTTCAGGCCCCAGTACCCGCC[G>A]CATCCTTACCACATCCTGCAGGTTCGGGGGTAGTCCTCATTCCTGGAGCTCACGCCCACG-3'

ClinVar aggregate classification (germline): Benign. Review status: criteria provided, multiple submitters, no conflicts (2 of 4 stars). 3 submissions from 3 submitters: Benign (2). 1 of the submissions does not count toward it. Last evaluated 2019-12-31.

Conditions:
FBXO31-related disorder. Also called: FBXO31-related condition.

Allele frequency attached by ClinVar (database versions not stated): gnomAD 0.00124 and 0.00170; gnomAD exomes 0.00128 and 0.00332; TOPMed 0.00186; ExAC 0.00345; 1000 Genomes Project 30x 0.00781; 1000 Genomes Project 0.00859.
gnomAD v4.1: 2,108 of 1,588,300 alleles (0.13%); highest among the groups gnomAD compares: East Asian, 3.8%; 33 homozygotes.

Submissions (3):

Labcorp Genetics (formerly Invitae), Labcorp
Classification: Benign. Last evaluated: 2019-12-31. Review status: criteria provided, single submitter. Criteria: Invitae Variant Classification Sherloc (09022015). Collection method: clinical testing. Allele origin: germline.

Breakthrough Genomics
Classification: Benign. Review status: criteria provided, single submitter. Criteria: ACMG Guidelines, 2015. Collection method: not provided. Allele origin: germline. Inheritance: Autosomal recessive inheritance. Affected: yes.

PreventionGenetics, part of Exact Sciences
Classification: Benign for FBXO31-related condition. Last evaluated: 2019-05-15. Review status: no assertion criteria provided. Collection method: clinical testing. Allele origin: germline. Not counted in ClinVar's aggregate classification.
Comment: This variant is classified as benign based on ACMG/AMP sequence variant interpretation guidelines (Richards et al. 2015 PMID: 25741868, with internal and published modifications).